The following is an entry in ClinVar:

ClinVar aggregate classification (germline): Uncertain significance (1 of 4 stars; one submission).

gnomAD v4.1: 1 of 1,614,012 alleles (0.000062%); highest among the groups gnomAD compares: Non-Finnish European, 0.000085%; no homozygotes.

Submission:

Labcorp Genetics (formerly Invitae), Labcorp
Classification: Uncertain significance. Last evaluated: 2025-03-18. Review status: criteria provided, single submitter. Criteria: Invitae Variant Classification Sherloc (09022015). Collection method: clinical testing. Allele origin: germline.
Comment: This sequence change replaces valine, which is neutral and non-polar, with methionine, which is neutral and non-polar, at codon 722 of the FN1 protein (p.Val722Met). This variant is not present in population databases (gnomAD no frequency). This variant has not been reported in the literature in individuals affected with FN1-related conditions. An algorithm developed to predict the effect of missense changes on protein structure and function (PolyPhen-2) suggests that this variant is likely to be disruptive. In summary, the available evidence is currently insufficient to determine the role of this variant in disease. Therefore, it has been classified as a Variant of Uncertain Significance.

NM_212482.4(FN1):c.2164G>A (p.Val722Met)

Gene: FN1 (fibronectin 1; minus strand). Cytogenetic location: 2q35.
Variant type: single nucleotide variant.
Coding change: c.2164G>A on transcript NM_212482.4 (MANE Select); coding-DNA position 2164, G replaced by A.
Protein change: p.Val722Met; replaces valine 722 with methionine.
Molecular consequence: missense variant.
Genome position (GRCh38, 1-based): chr2:215,409,698, C>T on the plus strand (G>A on the coding strand, the complement: FN1 is on the minus strand). VCF-style: chr2-215409698-C-T. GRCh37 (hg19) VCF-style: chr2-216274421-C-T.
Other names: c.2164G>A, p.Val722Met (NM_001306131.2, NM_001306132.2, NM_001365517.2 and 13 more transcripts); short protein forms V722M.
Identifiers: ClinVar variation 4714960 (VCV004714960.1).
Genomic context (GRCh38, chr2:215,409,698, plus strand): 5'-AGACCCAGGAGACCACAAAGCTACTGGCTGTGATTTCGGTCACAGATTCAGAAGTGGCCA[C>T]AAGAGGAGAAAAGGGAGTCGTCTCTCCTGTCACGGTGTTGCCTAGAGAGTCACAGAAAGG-3'
Protein context (NP_997647.2, residues 712-732): TGETTPFSPL[Val722Met]ATSESVTEIT